The following is an entry in ClinVar:

ClinVar aggregate classification (germline): Uncertain significance (1 of 4 stars; one submission).

Conditions:
Polyhydramnios, megalencephaly, and symptomatic epilepsy (PMSE). Also called: PMSE SYNDROME. Identifiers: Orphanet 500533, MedGen C1970203, MONDO:0012611, OMIM 611087.

Allele frequency attached by ClinVar (database versions not stated): gnomAD exomes below 0.00001; ExAC 0.00001; gnomAD 0.00001.
gnomAD v4.1: 7 of 1,602,246 alleles (0.00044%); highest among the groups gnomAD compares: East Asian, 0.0023%; no homozygotes.

Submission:

Labcorp Genetics (formerly Invitae), Labcorp
Classification: Uncertain significance for Polyhydramnios, megalencephaly, and symptomatic epilepsy. Last evaluated: 2022-06-27. Review status: criteria provided, single submitter. Criteria: Invitae Variant Classification Sherloc (09022015). Collection method: clinical testing. Allele origin: germline.
Comment: This sequence change falls in intron 12 of the STRADA gene. It does not directly change the encoded amino acid sequence of the STRADA protein. It affects a nucleotide within the consensus splice site. This variant is present in population databases (rs755001321, gnomAD 0.002%). This variant has not been reported in the literature in individuals affected with STRADA-related conditions. Variants that disrupt the consensus splice site are a relatively common cause of aberrant splicing (PMID: 17576681, 9536098). Algorithms developed to predict the effect of sequence changes on RNA splicing suggest that this variant is not likely to affect RNA splicing. In summary, the available evidence is currently insufficient to determine the role of this variant in disease. Therefore, it has been classified as a Variant of Uncertain Significance.

Literature cited by the submitters: PubMed 17576681; PubMed 9536098.

NM_001003787.4(STRADA):c.1143+6G>A

Gene: STRADA (STE20 related adaptor alpha; minus strand). Cytogenetic location: 17q23.3.
Variant type: single nucleotide variant.
Coding change: c.1143+6G>A on transcript NM_001003787.4 (MANE Select); 6 bases into the intron after coding-DNA position 1143, G replaced by A.
Molecular consequence: intron variant. On other transcripts: 3 prime UTR variant (1).
Genome position (GRCh38, 1-based): chr17:63,703,999, C>T on the plus strand (G>A on the coding strand, the complement: STRADA is on the minus strand). VCF-style: chr17-63703999-C-T. GRCh37 (hg19) VCF-style: chr17-61781359-C-T.
Other names: c.*284G>A (NM_153335.6); c.*20+6G>A (NM_001363789.1, NM_001165969.2, NM_001165970.2 and 2 more transcripts); c.1032+6G>A (NM_001003786.3); c.836-248G>A (NM_001363790.1); c.1119+6G>A (NM_001363786.1); c.1056+6G>A (NM_001363787.1); c.969+6G>A (NM_001003788.3).
Identifiers: ClinVar variation 1365876 (VCV001365876.6), dbSNP rs755001321, ClinGen allele CA8703104.